The following is an entry in ClinVar:

NM_013382.7(POMT2):c.895G>A (p.Ala299Thr)

Gene: POMT2 (protein O-mannosyltransferase 2; minus strand). Cytogenetic location: 14q24.3.
Variant type: single nucleotide variant.
Coding change: c.895G>A on transcript NM_013382.7 (MANE Select); coding-DNA position 895, G replaced by A.
Protein change: p.Ala299Thr; replaces alanine 299 with threonine.
Molecular consequence: missense variant.
Genome position (GRCh38, 1-based): chr14:77,299,483, C>T on the plus strand (G>A on the coding strand, the complement: POMT2 is on the minus strand). VCF-style: chr14-77299483-C-T. GRCh37 (hg19) VCF-style: chr14-77765826-C-T.
Other names: short protein forms A299T.
Identifiers: ClinVar variation 2132304 (VCV002132304.4), dbSNP rs1890943386, ClinGen allele CA390519909.
Genomic context (GRCh38, chr14:77,299,483, plus strand): 5'-GAAGCAAGATGCTGCAAAGGCTCTGTCTGTACCTTTTACTCAGCACCATGAAGTGAACAG[C>T]AAAGGTGGCTGTATAGAGAGCCAGGGGCAGCACTATGAGGCACAGGACACGAGCAGTCAG-3'
Protein context (NP_037514.2, residues 289-309): LPLALYTATF[Ala299Thr]VHFMVLSKSG

ClinVar aggregate classification (germline): Uncertain significance (1 of 4 stars; one submission).

Conditions:
Muscular dystrophy-dystroglycanopathy (congenital with brain and eye anomalies), type A2. Also called: MUSCULAR DYSTROPHY-DYSTROGLYCANOPATHY (CONGENITAL WITH BRAIN AND EYE ANOMALIES), TYPE A, 2; WALKER-WARBURG SYNDROME OR MUSCLE-EYE-BRAIN DISEASE, POMT2-RELATED. Identifiers: Orphanet 588, Orphanet 899, MedGen C3150411, MONDO:0013154, OMIM 613150.
Autosomal recessive limb-girdle muscular dystrophy type 2N. Also called: MUSCULAR DYSTROPHY-DYSTROGLYCANOPATHY, LIMB-GIRDLE, POMT2-RELATED; Muscular dystrophy-dystroglycanopathy (limb-girdle), type C, 2. Identifiers: Orphanet 206559, MedGen C3150418, MONDO:0013162, OMIM 613158.
Muscular dystrophy-dystroglycanopathy (congenital with impaired intellectual development), type B, 2. Also called: Muscular dystrophy-dystroglycanopathy (congenital with intellectual disability), type B2; MUSCULAR DYSTROPHY, CONGENITAL, POMT2-RELATED. Identifiers: MedGen C3150416, MONDO:0013160, OMIM 613156.

Submission:

Labcorp Genetics (formerly Invitae), Labcorp
Classification: Uncertain significance for Muscular dystrophy-dystroglycanopathy (congenital with impaired intellectual development), type B, 2; Muscular dystrophy-dystroglycanopathy (congenital with brain and eye anomalies), type A2; Autosomal recessive limb-girdle muscular dystrophy type 2N. Last evaluated: 2022-06-13. Review status: criteria provided, single submitter. Criteria: Invitae Variant Classification Sherloc (09022015). Collection method: clinical testing. Allele origin: germline.
Comment: In summary, the available evidence is currently insufficient to determine the role of this variant in disease. Therefore, it has been classified as a Variant of Uncertain Significance. Algorithms developed to predict the effect of missense changes on protein structure and function are either unavailable or do not agree on the potential impact of this missense change (SIFT: "Tolerated"; PolyPhen-2: "Possibly Damaging"; Align-GVGD: "Class C0"). This variant has not been reported in the literature in individuals affected with POMT2-related conditions. This variant is not present in population databases (gnomAD no frequency). This sequence change replaces alanine, which is neutral and non-polar, with threonine, which is neutral and polar, at codon 299 of the POMT2 protein (p.Ala299Thr).